The following is an entry in ClinVar:

ClinVar aggregate classification (germline): Likely benign. Review status: criteria provided, multiple submitters, no conflicts (2 of 4 stars). 2 submissions from 2 submitters: Likely benign (2). Last evaluated 2025-10-28.

Conditions:
GLUT1 deficiency syndrome 1, autosomal recessive. Identifiers: MedGen C3149117.

Allele frequency attached by ClinVar (database versions not stated): gnomAD exomes below 0.00001; TOPMed below 0.00001.
gnomAD v4.1: 5 of 1,613,910 alleles (0.00031%); highest among the groups gnomAD compares: South Asian, 0.0033%; no homozygotes.

Submissions (2):

Mayo Clinic Laboratories, Mayo Clinic
Classification: Likely benign. Last evaluated: 2025-10-28. Review status: criteria provided, single submitter. Criteria: ACMG Guidelines, 2015. Collection method: clinical testing. Allele origin: germline. Observed: 1 variant allele.
Comment: BP4, BP7

Labcorp Genetics (formerly Invitae), Labcorp
Classification: Likely benign for GLUT1 deficiency syndrome 1, autosomal recessive. Last evaluated: 2024-07-16. Review status: criteria provided, single submitter. Criteria: Invitae Variant Classification Sherloc (09022015). Collection method: clinical testing. Allele origin: germline.

NM_006516.4(SLC2A1):c.762G>A (p.Glu254=)

Gene: SLC2A1 (solute carrier family 2 member 1; minus strand). Cytogenetic location: 1p34.2.
Variant type: single nucleotide variant.
Coding change: c.762G>A on transcript NM_006516.4 (MANE Select); coding-DNA position 762, G replaced by A.
Protein change: p.Glu254=; no amino-acid change (glutamic acid 254 retained).
Molecular consequence: synonymous variant.
Genome position (GRCh38, 1-based): chr1:42,929,698, C>T on the plus strand (G>A on the coding strand, the complement: SLC2A1 is on the minus strand). VCF-style: chr1-42929698-C-T. GRCh37 (hg19) VCF-style: chr1-43395369-C-T.
Other names: p.Glu254=; c.762G>A (NM_006516.3).
Identifiers: ClinVar variation 751666 (VCV000751666.10), dbSNP rs1198285991, ClinGen allele CA417543406.